The following is an entry in ClinVar:

ClinVar aggregate classification (germline): Likely pathogenic (1 of 4 stars; one submission).

gnomAD v4.1: 1 of 1,610,310 alleles (0.000062%); highest among the groups gnomAD compares: Non-Finnish European, 0.000085%; no homozygotes.

Submission:

Labcorp Genetics (formerly Invitae), Labcorp
Classification: Likely pathogenic. Last evaluated: 2025-07-22. Review status: criteria provided, single submitter. Criteria: Invitae Variant Classification Sherloc (09022015). Collection method: clinical testing. Allele origin: germline.
Comment: This sequence change affects a donor splice site in intron 4 of the REEP6 gene. It is expected to disrupt RNA splicing. Variants that disrupt the donor or acceptor splice site typically lead to a loss of protein function (PMID: 16199547), and loss-of-function variants in REEP6 are known to be pathogenic (PMID: 27889058, 29120066). This variant is not present in population databases (gnomAD no frequency). This variant has not been reported in the literature in individuals affected with REEP6-related conditions. Algorithms developed to predict the effect of sequence changes on RNA splicing suggest that this variant may disrupt the consensus splice site. In summary, the currently available evidence indicates that the variant is pathogenic, but additional data are needed to prove that conclusively. Therefore, this variant has been classified as Likely Pathogenic.

Literature cited by the submitters: PubMed 16199547; PubMed 27889058; PubMed 29120066.

NM_138393.4(REEP6):c.517+1G>A

Gene: REEP6 (receptor accessory protein 6; plus strand). Cytogenetic location: 19p13.3.
Variant type: single nucleotide variant.
Coding change: c.517+1G>A on transcript NM_138393.4 (MANE Select); the canonical splice donor site of the intron after coding-DNA position 517, G replaced by A.
Molecular consequence: splice donor variant.
Genome position (GRCh38, 1-based): chr19:1,496,454, G>A. VCF-style: chr19-1496454-G-A. GRCh37 (hg19) VCF-style: chr19-1496453-G-A.
Other names: c.517+1G>A (NM_001329556.3).
Identifiers: ClinVar variation 4771134 (VCV004771134.1).
Genomic context (GRCh38, chr19:1,496,454, plus strand): 5'-GAATCATGAACGACCTCAGCGGGCGAGCCCTGGACGCGGCGGCCGGAATAACCAGGAACG[G>A]TGGGTGCTCGCAGGCGCCTGGCTGCCTCAGGCCATCTCCCGGGTCTGGACCTGTCTCTCT-3'